The following is an entry in ClinVar:

ClinVar aggregate classification (germline): Uncertain significance. Review status: criteria provided, multiple submitters, no conflicts (2 of 4 stars). 2 submissions from 2 submitters: Uncertain significance (2). Last evaluated 2025-08-20.

Conditions:
Familial thoracic aortic aneurysm and aortic dissection (TAAD). Also called: Thoracic aortic aneurysms and dissections. Identifiers: Orphanet 91387, MedGen C4707243, MONDO:0019625.
Aortic aneurysm, familial thoracic 8 (AAT8). Identifiers: MedGen C3809513, MONDO:0014187, OMIM 615436.

Allele frequency attached by ClinVar (database versions not stated): gnomAD exomes 0.00001.
gnomAD v4.1: 3 of 1,612,744 alleles (0.00019%); highest among the groups gnomAD compares: Non-Finnish European, 0.00025%; no homozygotes.

Submissions (2):

Ambry Genetics
Classification: Uncertain significance for Familial thoracic aortic aneurysm and aortic dissection. Last evaluated: 2025-08-20. Review status: criteria provided, single submitter. Criteria: Ambry Variant Classification Scheme 2023. Collection method: clinical testing. Allele origin: germline.
Comment: The p.V170M variant (also known as c.508G>A), located in coding exon 3 of the PRKG1 gene, results from a G to A substitution at nucleotide position 508. The valine at codon 170 is replaced by methionine, an amino acid with highly similar properties. This amino acid position is conserved. In addition, this alteration is predicted to be tolerated by in silico analysis. Based on the available evidence, the clinical significance of this variant remains unclear.

Labcorp Genetics (formerly Invitae), Labcorp
Classification: Uncertain significance for Aortic aneurysm, familial thoracic 8. Last evaluated: 2022-08-09. Review status: criteria provided, single submitter. Criteria: Invitae Variant Classification Sherloc (09022015). Collection method: clinical testing. Allele origin: germline.
Comment: This variant is not present in population databases (gnomAD no frequency). This sequence change replaces valine, which is neutral and non-polar, with methionine, which is neutral and non-polar, at codon 170 of the PRKG1 protein (p.Val170Met). This variant has not been reported in the literature in individuals affected with PRKG1-related conditions. Algorithms developed to predict the effect of missense changes on protein structure and function (SIFT, PolyPhen-2, Align-GVGD) all suggest that this variant is likely to be tolerated. In summary, the available evidence is currently insufficient to determine the role of this variant in disease. Therefore, it has been classified as a Variant of Uncertain Significance.

NM_006258.4(PRKG1):c.508G>A (p.Val170Met)

Gene: PRKG1 (protein kinase cGMP-dependent 1; plus strand). Cytogenetic location: 10q21.1.
Variant type: single nucleotide variant.
Coding change: c.508G>A on transcript NM_006258.4 (MANE Select); coding-DNA position 508, G replaced by A.
Protein change: p.Val170Met; replaces valine 170 with methionine.
Molecular consequence: missense variant.
Genome position (GRCh38, 1-based): chr10:51,467,752, G>A. VCF-style: chr10-51467752-G-A. GRCh37 (hg19) VCF-style: chr10-53227512-G-A.
Other names: c.508G>A (NM_006258.3); c.463G>A, p.Val155Met (NM_001098512.3); c.508G>A, p.Val170Met (NM_001374782.1); short protein forms V155M, V170M.
Identifiers: ClinVar variation 2085456 (VCV002085456.4), dbSNP rs1839945320, ClinGen allele CA376529099.